The following is an entry in ClinVar:

NC_000015.10:g.84817096C>T

Gene: ALPK3 (alpha kinase 3; plus strand). Cytogenetic location: 15q25.3.
Variant type: single nucleotide variant.
Genome position: GRCh38 VCF-style: chr15-84817096-C-T. GRCh37 (hg19) VCF-style: chr15-85360327-C-T.
Other names: short protein forms P84S.
Identifiers: ClinVar variation 1792368 (VCV001792368.5), dbSNP rs1015204668, ClinGen allele CA273650729.

ClinVar aggregate classification (germline): Uncertain significance. Review status: criteria provided, multiple submitters, no conflicts (2 of 4 stars). 2 submissions from 2 submitters: Uncertain significance (2). Last evaluated 2024-10-18.

Conditions:
Cardiovascular phenotype. Identifiers: MedGen CN230736.

Allele frequency attached by ClinVar (database versions not stated): gnomAD exomes below 0.00001.

Submissions (2):

Labcorp Genetics (formerly Invitae), Labcorp
Classification: Uncertain significance. Last evaluated: 2024-10-18. Review status: criteria provided, single submitter. Criteria: Invitae Variant Classification Sherloc (09022015). Collection method: clinical testing. Allele origin: germline.
Comment: This sequence change replaces proline, which is neutral and non-polar, with serine, which is neutral and polar, at codon 84 of the ALPK3 protein (p.Pro84Ser). This variant is present in population databases (no rsID available, gnomAD 0.007%). This variant has not been reported in the literature in individuals affected with ALPK3-related conditions. ClinVar contains an entry for this variant (Variation ID: 1792368). An algorithm developed to predict the effect of missense changes on protein structure and function (PolyPhen-2) suggests that this variant is likely to be disruptive. In summary, the available evidence is currently insufficient to determine the role of this variant in disease. Therefore, it has been classified as a Variant of Uncertain Significance.

Ambry Genetics
Classification: Uncertain significance for Cardiovascular phenotype. Last evaluated: 2022-05-23. Review status: criteria provided, single submitter. Criteria: Ambry Variant Classification Scheme 2023. Collection method: clinical testing. Allele origin: germline.
Comment: The p.P84S variant (also known as c.250C>T), located in coding exon 1 of the ALPK3 gene, results from a C to T substitution at nucleotide position 250. The proline at codon 84 is replaced by serine, an amino acid with similar properties. This amino acid position is not well conserved in available vertebrate species. In addition, this alteration is predicted to be tolerated by in silico analysis. Since supporting evidence is limited at this time, the clinical significance of this alteration remains unclear.